The following is an entry in ClinVar:

NM_004168.4(SDHA):c.249A>G (p.Ala83=)

Gene: SDHA (succinate dehydrogenase complex flavoprotein subunit A; plus strand). Cytogenetic location: 5p15.33.
Variant type: single nucleotide variant.
Coding change: c.249A>G on transcript NM_004168.4 (MANE Select); coding-DNA position 249, A replaced by G.
Protein change: p.Ala83=; no amino-acid change (alanine 83 retained).
Molecular consequence: synonymous variant.
Genome position (GRCh38, 1-based): chr5:224,458, A>G. VCF-style: chr5-224458-A-G. GRCh37 (hg19) VCF-style: chr5-224573-A-G.
Other names: c.249A>G, p.Ala83= (NM_001294332.2, NM_001330758.2).
Identifiers: ClinVar variation 793426 (VCV000793426.14), dbSNP rs1560986107, ClinGen allele CA442690895.
Genomic context (GRCh38, chr5:224,458, plus strand): 5'-TGCAGTGGTGGTAGGCGCTGGAGGGGCAGGCTTGCGAGCTGCATTTGGCCTTTCTGAGGC[A>G]GGGTTTAATACAGCATGTGTTACCAAGCTGTTTCCTACCAGGTCACACACTGTTGCAGCA-3'
Protein context (NP_004159.2, residues 73-93): GLRAAFGLSE[Ala83=]GFNTACVTKL

ClinVar aggregate classification (germline): Benign/Likely benign. Review status: criteria provided, multiple submitters, no conflicts (2 of 4 stars). 3 submissions from 3 submitters: Benign (1); Likely benign (2). Last evaluated 2025-10-15.

Conditions:
Pheochromocytoma/paraganglioma syndrome 5. Also called: Paragangliomas 5; SDHA-Related Hereditary Paraganglioma-Pheochromocytoma Syndrome. Identifiers: Orphanet 29072, MedGen C3279992, MONDO:0013602, OMIM 614165.
Mitochondrial complex II deficiency, nuclear type 1. Also called: SUCCINATE CoQ REDUCTASE DEFICIENCY. Identifiers: Orphanet 3208, MedGen C5700310, MONDO:0100294, OMIM 252011.
Hereditary cancer-predisposing syndrome. Also called: Tumor predisposition; Hereditary neoplastic syndrome; Neoplastic Syndromes, Hereditary; Hereditary Cancer Syndrome. Identifiers: Orphanet 140162, MedGen C0027672, MeSH D009386, MONDO:0015356.

Allele frequency attached by ClinVar (database versions not stated): gnomAD exomes below 0.00001; TOPMed below 0.00001.

Submissions (3):

Labcorp Genetics (formerly Invitae), Labcorp
Classification: Likely benign for Pheochromocytoma/paraganglioma syndrome 5; Mitochondrial complex II deficiency, nuclear type 1. Last evaluated: 2025-10-15. Review status: criteria provided, single submitter. Criteria: Invitae Variant Classification Sherloc (09022015). Collection method: clinical testing. Allele origin: germline.

Myriad Genetics, Inc.
Classification: Benign for Pheochromocytoma/paraganglioma syndrome 5. Last evaluated: 2025-02-28. Review status: criteria provided, single submitter. Criteria: Myriad Autosomal Dominant, Autosomal Recessive and X-Linked Classification Criteria (2023). Collection method: clinical testing. Allele origin: unknown.
Comment: This variant is considered benign. This variant is a silent/synonymous amino acid change and it is not expected to impact splicing.

Ambry Genetics
Classification: Likely benign for Hereditary cancer-predisposing syndrome. Last evaluated: 2019-10-06. Review status: criteria provided, single submitter. Criteria: Ambry Variant Classification Scheme 2023. Collection method: clinical testing. Allele origin: germline.